The following is an entry in ClinVar:

NM_001079843.3(CASZ1):c.4986CGC[4] (p.Ala1668_Ala1670del)

Gene: CASZ1 (castor zinc finger 1; minus strand). Cytogenetic location: 1p36.22.
Variant type: Microsatellite.
Coding change: c.4986CGC[4] on transcript NM_001079843.3 (MANE Select); four copies in a row of the 3-base unit CGC starting at c.4986; the reference has seven copies in a row; three copies, 9 bases deleted.
Protein change: p.Ala1668_Ala1670del.
Genome position (GRCh38, 1-based): chr1:10,639,216-10,639,224, GCGGCGGCG deleted on the plus strand (CGCCGCCGC on the coding strand, the reverse complement: CASZ1 is on the minus strand); deleting any 9 consecutive bases within chr1:10,639,216-10,639,236 gives the same sequence; the position shown is the placement nearest the transcript's 3' end. VCF-style (leftmost placement, unchanged base first): chr1-10639215-TGCGGCGGCG-T. GRCh37 (hg19) VCF-style: chr1-10699272-TGCGGCGGCG-T.
Identifiers: ClinVar variation 4799459 (VCV004799459.1).
Genomic context (GRCh38, chr1:10,639,215, plus strand): 5'-GGCCTCCTCCTCCGGCAGCTCCAGCTCCTCCTCCTCGTCCTCCTGCGAGGACTCCCCAGC[TGCGGCGGCG>T]GCGGCGGCGGCGCCCTCGCGCGGCCCGGGGGCGGCGGCGTCGGGCGGGCCGGGGTCGCCC-3'

ClinVar aggregate classification (germline): Uncertain significance (1 of 4 stars; one submission).

Submission:

Labcorp Genetics (formerly Invitae), Labcorp
Classification: Uncertain significance. Last evaluated: 2025-10-03. Review status: criteria provided, single submitter. Criteria: Invitae Variant Classification Sherloc (09022015). Collection method: clinical testing. Allele origin: germline.
Comment: This variant, c.4998_5006del, results in the deletion of 3 amino acid(s) of the CASZ1 protein (p.Ala1668_Ala1670del), but otherwise preserves the integrity of the reading frame. The frequency data for this variant in the population databases is considered unreliable, as metrics indicate poor data quality at this position in the gnomAD database. This variant has not been reported in the literature in individuals affected with CASZ1-related conditions. Experimental studies and prediction algorithms are not available or were not evaluated, and the functional significance of this variant is currently unknown. In summary, the available evidence is currently insufficient to determine the role of this variant in disease. Therefore, it has been classified as a Variant of Uncertain Significance.